The following is an entry in ClinVar:

ClinVar aggregate classification (germline): Uncertain significance (1 of 4 stars; one submission).

Conditions:
DICER1-related tumor predisposition. Also called: DICER1 syndrome; DICER1-related pleuropulmonary blastoma cancer predisposition syndrome. Identifiers: Orphanet 284343, MedGen C3839822, MONDO:0100216.

Allele frequency attached by ClinVar (database versions not stated): gnomAD 0.00001.
gnomAD v4.1: 1 of 1,614,108 alleles (0.000062%); no homozygotes.

Submission:

Labcorp Genetics (formerly Invitae), Labcorp
Classification: Uncertain significance for DICER1-related tumor predisposition. Last evaluated: 2022-01-27. Review status: criteria provided, single submitter. Criteria: Invitae Variant Classification Sherloc (09022015). Collection method: clinical testing. Allele origin: germline.
Comment: This variant has not been reported in the literature in individuals affected with DICER1-related conditions. In summary, the available evidence is currently insufficient to determine the role of this variant in disease. Therefore, it has been classified as a Variant of Uncertain Significance. Algorithms developed to predict the effect of missense changes on protein structure and function (SIFT, PolyPhen-2, Align-GVGD) all suggest that this variant is likely to be tolerated. ClinVar contains an entry for this variant (Variation ID: 655952). This variant is not present in population databases (gnomAD no frequency). This sequence change replaces tyrosine, which is neutral and polar, with cysteine, which is neutral and slightly polar, at codon 1223 of the DICER1 protein (p.Tyr1223Cys).

NM_177438.3(DICER1):c.3668A>G (p.Tyr1223Cys)

Gene: DICER1 (dicer 1, ribonuclease III; minus strand). Cytogenetic location: 14q32.13.
Variant type: single nucleotide variant.
Coding change: c.3668A>G on transcript NM_177438.3 (MANE Select); coding-DNA position 3668, A replaced by G.
Protein change: p.Tyr1223Cys; replaces tyrosine 1223 with cysteine.
Molecular consequence: missense variant.
Genome position (GRCh38, 1-based): chr14:95,103,728, T>C on the plus strand (A>G on the coding strand, the complement: DICER1 is on the minus strand). VCF-style: chr14-95103728-T-C. GRCh37 (hg19) VCF-style: chr14-95570065-T-C.
Other names: c.3668A>G, p.Tyr1223Cys (NM_001195573.1, NM_030621.4, NM_001271282.3 and 1 more transcripts); short protein forms Y1223C.
Identifiers: ClinVar variation 655952 (VCV000655952.10), dbSNP rs1595365501, ClinGen allele CA390874447.
Genomic context (GRCh38, chr14:95,103,728, plus strand): 5'-AGGTATTTATTACTCAGGAGAGTACATTCATCGCTGGGCTGGGGCTGGTTCTCGTAACTG[T>C]ATAAATTCTGAATGGAATATGAGGTAGTTGGTTGCACGGGTATTTCCTGCTTGTAGTAAT-3'
Protein context (NP_803187.1, residues 1213-1233): PTTSYSIQNL[Tyr1223Cys]SYENQPQPSD